The following is an entry in ClinVar:

ClinVar aggregate classification (germline): Uncertain significance. Review status: criteria provided, single submitter (1 of 4 stars). 2 submissions from 2 submitters: Uncertain significance (1). 1 of the submissions does not count toward it. Last evaluated 2022-08-09.

Conditions:
Metaphyseal chondrodysplasia, McKusick type (CHH). Also called: Cartilage-hair hypoplasia; Cartilage-Hair Hypoplasia (CHH). Identifiers: Orphanet 175, MedGen C0220748, MONDO:0009595, OMIM 250250.
Anauxetic dysplasia. Identifiers: Orphanet 93347, MedGen C1846796, MONDO:0011773.

Allele frequency attached by ClinVar (database versions not stated): gnomAD exomes 0.00005; TOPMed 0.00005; gnomAD 0.00008.
gnomAD v4.1: 53 of 693,468 alleles (0.0076%); highest among the groups gnomAD compares: African/African-American, 0.014%; no homozygotes.

Submissions (2):

Labcorp Genetics (formerly Invitae), Labcorp
Classification: Uncertain significance for Anauxetic dysplasia. Last evaluated: 2022-08-09. Review status: criteria provided, single submitter. Criteria: Invitae Variant Classification Sherloc (09022015). Collection method: clinical testing. Allele origin: germline.
Comment: This variant occurs in the RMRP gene, which encodes an RNA molecule that does not result in a protein product. This variant is present in population databases (no rsID available, gnomAD 0.03%). This variant has not been reported in the literature in individuals affected with RMRP-related conditions. ClinVar contains an entry for this variant (Variation ID: 663657). Experimental studies and prediction algorithms are not available or were not evaluated, and the functional significance of this variant is currently unknown. In summary, the available evidence is currently insufficient to determine the role of this variant in disease. Therefore, it has been classified as a Variant of Uncertain Significance.

Natera, Inc.
Classification: Uncertain significance for Cartilage-hair hypoplasia. Last evaluated: 2020-03-10. Review status: no assertion criteria provided. Collection method: clinical testing. Allele origin: germline. Not counted in ClinVar's aggregate classification.

NR_003051.4(RMRP):n.150C>T

Gene: RMRP (RNA component of mitochondrial RNA processing endoribonuclease; minus strand). Cytogenetic location: 9p13.3.
Variant type: single nucleotide variant.
Genome position: GRCh38 VCF-style: chr9-35657870-G-A. GRCh37 (hg19) VCF-style: chr9-35657867-G-A.
Identifiers: ClinVar variation 663657 (VCV000663657.5), dbSNP rs977992022, ClinGen allele CA192745602.